The following is an entry in ClinVar:

ClinVar aggregate classification (germline): Benign/Likely benign. Review status: criteria provided, multiple submitters, no conflicts (2 of 4 stars). 26 submissions from 22 submitters: Benign (17); Likely benign (3). 6 of the submissions do not count toward it. Last evaluated 2026-02-04.

Conditions:
Walker-Warburg congenital muscular dystrophy. Also called: Muscular dystrophy-dystroglycanopathy, type A; Walker-Warburg syndrome. Identifiers: Orphanet 899, MedGen C0265221, MONDO:0000171.
Cardiovascular phenotype. Identifiers: MedGen CN230736.
Muscular dystrophy-dystroglycanopathy (congenital without impaired intellectual development), type B, 4. Also called: Muscular dystrophy-dystroglycanopathy (congenital without intellectual disability), type B4; MUSCULAR DYSTROPHY, CONGENITAL, FKTN-RELATED. Identifiers: MedGen C2751052, MONDO:0013156, OMIM 613152.
Dilated cardiomyopathy 1X (CMD1X). Also called: FKTN-Related Dilated Cardiomyopathy; CARDIOMYOPATHY, DILATED, WITH MILD OR NO PROXIMAL MUSCLE WEAKNESS. Identifiers: Orphanet 154, MedGen C1969024, MONDO:0012704, OMIM 611615.
Muscular dystrophy-dystroglycanopathy (congenital with brain and eye anomalies), type A, 4 (MDDGA4). Also called: Congenital muscular dystrophy-dystroglycanopathy with brain and eye anomalies, type A4; Walker-Warburg Syndrome, Fktn-Related; Muscular dystrophy, congenital progressive, with mental retardation; Muscular dystrophy, congenital, with central nervous system involvement; Cerebromuscular dystrophy, Fukuyama type; Fukuyama congenital muscular dystrophy. Identifiers: Orphanet 272, Orphanet 588, Orphanet 899, MedGen C0410174, MONDO:0009678, OMIM 253800.
Autosomal recessive limb-girdle muscular dystrophy type 2M. Also called: MUSCULAR DYSTROPHY, LIMB-GIRDLE, TYPE 2M; MUSCULAR DYSTROPHY-DYSTROGLYCANOPATHY (LIMB-GIRDLE), TYPE C, 4. Identifiers: Orphanet 206554, MedGen C1969040, MONDO:0012699, OMIM 611588.
Muscular dystrophy-dystroglycanopathy (congenital with brain and eye anomalies), type A1 (MDDGA1). Also called: Muscular dystrophy-dystroglycanopathy (congenital with brain and eye anomalies), type A, 1; WALKER-WARBURG SYNDROME OR MUSCLE-EYE-BRAIN DISEASE, POMT1-RELATED; Hydrocephalus, agyria and retinal dysplasia; Hard +/- E syndrome; Warburg syndrome; Chemke syndrome. Identifiers: Orphanet 588, Orphanet 899, MedGen C4284790, MONDO:0009364, OMIM 236670.

Allele frequency attached by ClinVar (database versions not stated): gnomAD 0.24782 and 0.25357; gnomAD exomes 0.28943 and 0.24813; ExAC 0.24461; 1000 Genomes Project 0.15815; 1000 Genomes Project 30x 0.15834; ESP Exome Variant Server 0.26457; TOPMed 0.24382.
gnomAD v4.1: 459,487 of 1,613,054 alleles (28%); highest among the groups gnomAD compares: Non-Finnish European, 32%; 69,707 homozygotes.

Submissions (26):

Labcorp Genetics (formerly Invitae), Labcorp
Classification: Benign for Walker-Warburg congenital muscular dystrophy. Last evaluated: 2026-02-04. Review status: criteria provided, single submitter. Criteria: Invitae Variant Classification Sherloc (09022015). Collection method: clinical testing. Allele origin: germline.

Molecular Diagnostic Laboratory for Inherited Cardiovascular Disease, Montreal Heart Institute
Classification: Benign. Last evaluated: 2025-04-09. Review status: criteria provided, single submitter. Criteria: ACMG Guidelines, 2015. Collection method: clinical testing. Allele origin: germline. Affected: no.

Genomic Medicine Center of Excellence, King Faisal Specialist Hospital and Research Centre
Classification: Benign for Muscular dystrophy-dystroglycanopathy (congenital with brain and eye anomalies), type A, 4. Last evaluated: 2024-12-19. Review status: criteria provided, single submitter. Criteria: ACMG Guidelines, 2015. Collection method: clinical testing. Allele origin: germline.

Blueprint Genetics
Classification: Benign. Last evaluated: 2024-11-27. Review status: criteria provided, single submitter. Criteria: ACMG Guidelines, 2015. Collection method: clinical testing. Allele origin: germline.

Mayo Clinic Laboratories, Mayo Clinic
Classification: Benign. Last evaluated: 2022-04-26. Review status: criteria provided, single submitter. Criteria: ACMG Guidelines, 2015. Collection method: clinical testing. Allele origin: germline. Observed: 1,105 variant alleles.

Genome-Nilou Lab
Classification: Benign for Dilated cardiomyopathy 1X. Last evaluated: 2021-08-10. Review status: criteria provided, single submitter. Criteria: ACMG Guidelines, 2015. Collection method: clinical testing. Allele origin: germline. Affected: no.

Genome-Nilou Lab
Classification: Benign for Muscular dystrophy-dystroglycanopathy (congenital with brain and eye anomalies), type A, 4. Last evaluated: 2021-08-10. Review status: criteria provided, single submitter. Criteria: ACMG Guidelines, 2015. Collection method: clinical testing. Allele origin: germline. Affected: no.

Genome-Nilou Lab
Classification: Benign for Muscular dystrophy-dystroglycanopathy (congenital without impaired intellectual development), type B, 4. Last evaluated: 2021-08-10. Review status: criteria provided, single submitter. Criteria: ACMG Guidelines, 2015. Collection method: clinical testing. Allele origin: germline. Affected: no.

Genome-Nilou Lab
Classification: Benign for Autosomal recessive limb-girdle muscular dystrophy type 2M. Last evaluated: 2021-08-10. Review status: criteria provided, single submitter. Criteria: ACMG Guidelines, 2015. Collection method: clinical testing. Allele origin: germline. Affected: no.

Fulgent Genetics
Classification: Benign for Muscular dystrophy-dystroglycanopathy (congenital with brain and eye anomalies), type A1; Muscular dystrophy-dystroglycanopathy (congenital with brain and eye anomalies), type A, 4; Autosomal recessive limb-girdle muscular dystrophy type 2M; Dilated cardiomyopathy 1X; Muscular dystrophy-dystroglycanopathy (congenital without impaired intellectual development), type B, 4. Last evaluated: 2021-07-15. Review status: criteria provided, single submitter. Criteria: ACMG Guidelines, 2015. Collection method: clinical testing. Allele origin: unknown.

Athena Diagnostics
Classification: Benign. Last evaluated: 2021-04-22. Review status: criteria provided, single submitter. Criteria: Athena Diagnostics Criteria. Collection method: clinical testing. Allele origin: unknown.

Mendelics
Classification: Benign for Muscular dystrophy-dystroglycanopathy (congenital with brain and eye anomalies), type A, 4. Last evaluated: 2019-05-28. Review status: criteria provided, single submitter. Criteria: Mendelics Assertion Criteria 2017. Collection method: clinical testing. Allele origin: unknown.

Illumina Laboratory Services, Illumina
Classification: Likely benign for Dilated cardiomyopathy 1X. Last evaluated: 2017-04-27. Review status: criteria provided, single submitter. Criteria: ICSL Variant Classification Criteria 13 December 2019. Collection method: clinical testing. Allele origin: germline.
Comment: This variant was observed as part of a predisposition screen in an ostensibly healthy population. A literature search was performed for the gene, cDNA change, and amino acid change (where applicable). Publications were found based on this search. The evidence from the literature, in combination with allele frequency data from public databases where available, was sufficient to determine this variant is unlikely to cause disease. Therefore, this variant is classified as likely benign.

Illumina Laboratory Services, Illumina
Classification: Likely benign for Muscular dystrophy-dystroglycanopathy (congenital with brain and eye anomalies), type A, 4. Last evaluated: 2017-04-27. Review status: criteria provided, single submitter. Criteria: ICSL Variant Classification Criteria 13 December 2019. Collection method: clinical testing. Allele origin: germline.
Comment: the same text as in the submission from Illumina Laboratory Services, Illumina above.

Eurofins Ntd Llc (ga)
Classification: Benign. Last evaluated: 2015-09-08. Review status: criteria provided, single submitter. Criteria: EGL Classification Definitions 2015. Collection method: clinical testing. Allele origin: germline. Observed: 36 variant alleles, 30 heterozygotes, 6 homozygotes.

Ambry Genetics
Classification: Benign for Cardiovascular phenotype. Last evaluated: 2015-03-11. Review status: criteria provided, single submitter. Criteria: Ambry Variant Classification Scheme 2023. Collection method: clinical testing. Allele origin: germline.

GeneDx
Classification: Benign. Last evaluated: 2015-03-03. Review status: criteria provided, single submitter. Criteria: GeneDx Variant Classification Process June 2021. Collection method: clinical testing. Allele origin: germline. Affected: yes.

Laboratory for Molecular Medicine, Mass General Brigham Personalized Medicine
Classification: Benign. Last evaluated: 2015-01-13. Review status: criteria provided, single submitter. Criteria: LMM Criteria. Collection method: clinical testing. Allele origin: germline. Observed: 9 variant alleles.
Comment: p.Arg203Gln in exon 6 of FKTN: This variant is not expected to have clinical sig nificance because it has been identified in 31.9% (2743/8600) of European Americ an chromosomes from a broad population by the NHLBI Exome Sequencing Project (dbSNP rs34787999).

Breakthrough Genomics
Classification: Likely benign. Review status: criteria provided, single submitter. Criteria: ACMG Guidelines, 2015. Collection method: not provided. Allele origin: germline. Inheritance: Autosomal recessive inheritance. Affected: yes.

PreventionGenetics, part of Exact Sciences
Classification: Benign. Review status: criteria provided, single submitter. Criteria: ACMG Guidelines, 2015. Collection method: clinical testing. Allele origin: germline.

Natera, Inc.
Classification: Benign for Walker-Warburg congenital muscular dystrophy. Last evaluated: 2019-11-20. Review status: no assertion criteria provided. Collection method: clinical testing. Allele origin: germline. Not counted in ClinVar's aggregate classification.

Clinical Genetics DNA and cytogenetics Diagnostics Lab, Erasmus MC, Erasmus Medical Center
Classification: Benign. Review status: no assertion criteria provided. Collection method: clinical testing. Allele origin: germline. Affected: yes. Study: VKGL Data-share Consensus. Not counted in ClinVar's aggregate classification.

Clinical Genetics, Academic Medical Center
Classification: Benign. Review status: no assertion criteria provided. Collection method: clinical testing. Allele origin: germline. Affected: yes. Study: VKGL Data-share Consensus. Not counted in ClinVar's aggregate classification.

Diagnostic Laboratory, Department of Genetics, University Medical Center Groningen
Classification: Benign. Review status: no assertion criteria provided. Collection method: clinical testing. Allele origin: germline. Affected: yes. Study: VKGL Data-share Consensus. Not counted in ClinVar's aggregate classification.

Genetic Services Laboratory, University of Chicago
Classification: Likely benign for AllHighlyPenetrant. Review status: no assertion criteria provided. Collection method: clinical testing. Allele origin: germline. Inheritance: Autosomal recessive inheritance. Not counted in ClinVar's aggregate classification.
Comment: Likely benign based on allele frequency in 1000 Genomes Project or ESP global frequency and its presence in a patient with a rare or unrelated disease phenotype. NOT Sanger confirmed.

Joint Genome Diagnostic Labs from Nijmegen and Maastricht, Radboudumc and MUMC+
Classification: Benign. Review status: no assertion criteria provided. Collection method: clinical testing. Allele origin: germline. Affected: yes. Study: VKGL Data-share Consensus. Not counted in ClinVar's aggregate classification.

Literature cited by the submitters: PubMed 19015585 (cited by Illumina Laboratory Services, Illumina); PubMed 23582336 (cited by Illumina Laboratory Services, Illumina).

NM_001079802.2(FKTN):c.608G>A (p.Arg203Gln)

Gene: FKTN (fukutin; plus strand). Cytogenetic location: 9q31.2.
Variant type: single nucleotide variant.
Coding change: c.608G>A on transcript NM_001079802.2 (MANE Select); coding-DNA position 608, G replaced by A.
Protein change: p.Arg203Gln; replaces arginine 203 with glutamine.
Molecular consequence: missense variant. On other transcripts: non-coding transcript variant (2).
Genome position (GRCh38, 1-based): chr9:105,604,453, G>A. VCF-style: chr9-105604453-G-A. GRCh37 (hg19) VCF-style: chr9-108366734-G-A.
Other names: c.608G>A, p.Arg203Gln (NM_001198963.2, NM_001351496.2, NM_001351498.2 and 1 more transcripts); c.539G>A, p.Arg180Gln (NM_001351497.2); c.212G>A, p.Arg71Gln (NM_001351499.2, NM_001351500.2, NM_001351501.2 and 1 more transcripts); short protein forms R203Q, R180Q, R71Q.
Identifiers: ClinVar variation 93522 (VCV000093522.51), dbSNP rs34787999, ClinGen allele CA147024.